The following is an entry in ClinVar:

NM_001543.5(NDST1):c.540G>A (p.Ala180=)

Gene: NDST1 (N-deacetylase and N-sulfotransferase 1; plus strand). Cytogenetic location: 5q33.1.
Variant type: single nucleotide variant.
Coding change: c.540G>A on transcript NM_001543.5 (MANE Select); coding-DNA position 540, G replaced by A.
Protein change: p.Ala180=; no amino-acid change (alanine 180 retained).
Molecular consequence: synonymous variant.
Genome position (GRCh38, 1-based): chr5:150,527,830, G>A. VCF-style: chr5-150527830-G-A. GRCh37 (hg19) VCF-style: chr5-149907392-G-A.
Other names: c.540G>A, p.Ala180= (NM_001301063.2).
Identifiers: ClinVar variation 717213 (VCV000717213.12), dbSNP rs138112808, ClinGen allele CA3512440.

ClinVar aggregate classification (germline): Benign/Likely benign. Review status: criteria provided, multiple submitters, no conflicts (2 of 4 stars). 3 submissions from 3 submitters: Benign (2); Likely benign (1). Last evaluated 2026-01-17.

Conditions:
NDST1-related disorder. Also called: NDST1-related condition.

Allele frequency attached by ClinVar (database versions not stated): 1000 Genomes Project 0.00300; 1000 Genomes Project 30x 0.00359; gnomAD 0.00463 and 0.00515; ESP Exome Variant Server 0.00515; TOPMed 0.00548.
gnomAD v4.1: 1,340 of 1,614,042 alleles (0.083%); highest among the groups gnomAD compares: African/African-American, 1.6%; 9 homozygotes.

Submissions (3):

Labcorp Genetics (formerly Invitae), Labcorp
Classification: Benign. Last evaluated: 2026-01-17. Review status: criteria provided, single submitter. Criteria: Invitae Variant Classification Sherloc (09022015). Collection method: clinical testing. Allele origin: germline.

PreventionGenetics, part of Exact Sciences
Classification: Benign for NDST1-related condition. Last evaluated: 2026-01-13. Review status: criteria provided, single submitter. Criteria: ACMG Guidelines, 2015. Collection method: clinical testing. Allele origin: germline.
Comment: This variant is classified as benign based on ACMG/AMP sequence variant interpretation guidelines (Richards et al. 2015 PMID: 25741868, with internal and published modifications).

Blueprint Genetics
Classification: Likely benign. Last evaluated: 2024-11-05. Review status: criteria provided, single submitter. Criteria: ACMG Guidelines, 2015. Collection method: clinical testing. Allele origin: germline.